The following is an entry in ClinVar:

NM_014319.5(LEMD3):c.238G>A (p.Gly80Arg)

Gene: LEMD3 (LEM domain containing 3; plus strand). Cytogenetic location: 12q14.3.
Variant type: single nucleotide variant.
Coding change: c.238G>A on transcript NM_014319.5 (MANE Select); coding-DNA position 238, G replaced by A.
Protein change: p.Gly80Arg; replaces glycine 80 with arginine.
Molecular consequence: missense variant.
Genome position (GRCh38, 1-based): chr12:65,169,834, G>A. VCF-style: chr12-65169834-G-A. GRCh37 (hg19) VCF-style: chr12-65563614-G-A.
Other names: c.238G>A, p.Gly80Arg (NM_001167614.2); short protein forms G80R.
Identifiers: ClinVar variation 2994053 (VCV002994053.3), dbSNP rs1026897203, ClinGen allele CA238907663.
Genomic context (GRCh38, chr12:65,169,834, plus strand): 5'-GGCAACAAGACGCGGAACAGTAATAACAATAACACGGCAGCCGCCACGGTCGCAGCCGCG[G>A]GACCAGCGGCGGCGGCGGCCGCGGGGATGGGGGTCCGGCCGGTCTCGGGCGACCTCTCCT-3'
Protein context (NP_055134.2, residues 70-90): NTAAATVAAA[Gly80Arg]PAAAAAAGMG

ClinVar aggregate classification (germline): Uncertain significance (1 of 4 stars; one submission).

Allele frequency attached by ClinVar (database versions not stated): TOPMed below 0.00001.

Submission:

Labcorp Genetics (formerly Invitae), Labcorp
Classification: Uncertain significance. Last evaluated: 2024-02-27. Review status: criteria provided, single submitter. Criteria: Invitae Variant Classification Sherloc (09022015). Collection method: clinical testing. Allele origin: germline.
Comment: This sequence change replaces glycine, which is neutral and non-polar, with arginine, which is basic and polar, at codon 80 of the LEMD3 protein (p.Gly80Arg). This variant is not present in population databases (gnomAD no frequency). This variant has not been reported in the literature in individuals affected with LEMD3-related conditions. An algorithm developed to predict the effect of missense changes on protein structure and function (PolyPhen-2) suggests that this variant is likely to be tolerated. In summary, the available evidence is currently insufficient to determine the role of this variant in disease. Therefore, it has been classified as a Variant of Uncertain Significance.